The following is an entry in ClinVar:

ClinVar aggregate classification (germline): Uncertain significance (1 of 4 stars; one submission).

Submission:

Labcorp Genetics (formerly Invitae), Labcorp
Classification: Uncertain significance. Last evaluated: 2022-10-17. Review status: criteria provided, single submitter. Criteria: Invitae Variant Classification Sherloc (09022015). Collection method: clinical testing. Allele origin: germline.
Comment: In summary, the available evidence is currently insufficient to determine the role of this variant in disease. Therefore, it has been classified as a Variant of Uncertain Significance. This sequence change replaces alanine, which is neutral and non-polar, with serine, which is neutral and polar, at codon 1771 of the PLXNA1 protein (p.Ala1771Ser). This variant is present in population databases (no rsID available, gnomAD 0.0009%). This variant has not been reported in the literature in individuals affected with PLXNA1-related conditions. Advanced modeling of protein sequence and biophysical properties (such as structural, functional, and spatial information, amino acid conservation, physicochemical variation, residue mobility, and thermodynamic stability) performed at Invitae indicates that this missense variant is not expected to disrupt PLXNA1 protein function.

NM_032242.4(PLXNA1):c.5311G>T (p.Ala1771Ser)

Gene: PLXNA1 (plexin A1; plus strand). Cytogenetic location: 3q21.3.
Variant type: single nucleotide variant.
Coding change: c.5311G>T on transcript NM_032242.4 (MANE Select); coding-DNA position 5311, G replaced by T.
Protein change: p.Ala1771Ser; replaces alanine 1771 with serine.
Molecular consequence: missense variant.
Genome position (GRCh38, 1-based): chr3:127,032,466, G>T. VCF-style: chr3-127032466-G-T. GRCh37 (hg19) VCF-style: chr3-126751309-G-T.
Other names: short protein forms A1771S.
Identifiers: ClinVar variation 1927226 (VCV001927226.5), dbSNP rs1288029584, ClinGen allele CA354403901.
Genomic context (GRCh38, chr3:127,032,466, plus strand): 5'-GTGAACGTGATCAAGAACCCACAGTTTGTGTTCGACATTCACAAGAACAGCATCACGGAC[G>T]CCTGCTTGTCGGTGGTGGCCCAGACCTTCATGGACTCCTGCTCCACCTCTGAGCACAAGC-3'
Protein context (NP_115618.3, residues 1761-1781): FDIHKNSITD[Ala1771Ser]CLSVVAQTFM